The following is an entry in ClinVar:

NM_016077.5(PTRH2):c.68T>C (p.Val23Ala)

Gene: PTRH2 (peptidyl-tRNA hydrolase 2; minus strand). Cytogenetic location: 17q23.1.
Variant type: single nucleotide variant.
Coding change: c.68T>C on transcript NM_016077.5 (MANE Select); coding-DNA position 68, T replaced by C.
Protein change: p.Val23Ala; replaces valine 23 with alanine.
Molecular consequence: missense variant.
Genome position (GRCh38, 1-based): chr17:59,697,911, A>G on the plus strand (T>C on the coding strand, the complement: PTRH2 is on the minus strand). VCF-style: chr17-59697911-A-G. GRCh37 (hg19) VCF-style: chr17-57775272-A-G.
Other names: c.71T>C, p.Val24Ala (NM_001015509.3); short protein forms V23A, V24A.
Identifiers: ClinVar variation 996539 (VCV000996539.3), dbSNP rs2033474535, ClinGen allele CA400430689.

ClinVar aggregate classification (germline): Likely pathogenic (0 of 4 stars; one submission).

Conditions:
Neurologic, endocrine, and pancreatic disease, multisystem, infantile-onset. Identifiers: MedGen CN228418, MONDO:0024189.

Submission:

Comprehensive Medical Genetic Center, Shiraz University of Medical Sciences
Classification: Likely pathogenic for Neurologic, endocrine, and pancreatic disease, multisystem, infantile-onset 1. Last evaluated: 2020-08-01. Review status: no assertion criteria provided. Collection method: clinical testing. Allele origin: inherited. Inheritance: Autosomal recessive inheritance. Affected: yes. Observed: 1 variant allele, 1 homozygote.